The following is an entry in ClinVar:

ClinVar aggregate classification (germline): Uncertain significance (1 of 4 stars; one submission).

Conditions:
Familial cold autoinflammatory syndrome 3 (FCAS3). Also called: ANTIBODY DEFICIENCY AND IMMUNE DYSREGULATION, PLCG2-ASSOCIATED; FAMILIAL ATYPICAL COLD URTICARIA. Identifiers: Orphanet 300359, MedGen C3280914, MONDO:0013766, OMIM 614468.

Allele frequency attached by ClinVar (database versions not stated): ExAC 0.00001; gnomAD 0.00002; TOPMed 0.00002; gnomAD exomes 0.00005; 1000 Genomes Project 30x 0.00016; 1000 Genomes Project 0.00020.
gnomAD v4.1: 73 of 1,614,010 alleles (0.0045%); highest among the groups gnomAD compares: Non-Finnish European, 0.0057%; no homozygotes.

Submission:

Labcorp Genetics (formerly Invitae), Labcorp
Classification: Uncertain significance for Familial cold autoinflammatory syndrome 3. Last evaluated: 2023-01-20. Review status: criteria provided, single submitter. Criteria: Invitae Variant Classification Sherloc (09022015). Collection method: clinical testing. Allele origin: germline.
Comment: Algorithms developed to predict the effect of missense changes on protein structure and function output the following: SIFT: "Tolerated"; PolyPhen-2: "Benign"; Align-GVGD: "Class C0". The serine amino acid residue is found in multiple mammalian species, which suggests that this missense change does not adversely affect protein function. In summary, the available evidence is currently insufficient to determine the role of this variant in disease. Therefore, it has been classified as a Variant of Uncertain Significance. This variant has not been reported in the literature in individuals affected with PLCG2-related conditions. This variant is present in population databases (rs202002041, gnomAD 0.003%). This sequence change replaces asparagine, which is neutral and polar, with serine, which is neutral and polar, at codon 6 of the PLCG2 protein (p.Asn6Ser).

NM_002661.5(PLCG2):c.17A>G (p.Asn6Ser)

Gene: PLCG2 (phospholipase C gamma 2; plus strand). Cytogenetic location: 16q23.3.
Variant type: single nucleotide variant.
Coding change: c.17A>G on transcript NM_002661.5 (MANE Select); coding-DNA position 17, A replaced by G.
Protein change: p.Asn6Ser; replaces asparagine 6 with serine.
Molecular consequence: missense variant.
Genome position (GRCh38, 1-based): chr16:81,786,006, A>G. VCF-style: chr16-81786006-A-G. GRCh37 (hg19) VCF-style: chr16-81819611-A-G.
Other names: c.17A>G, p.Asn6Ser (NM_001425749.1, NM_001425750.1, NM_001425751.1); short protein forms N6S.
Identifiers: ClinVar variation 2716715 (VCV002716715.3), dbSNP rs202002041, ClinGen allele CA8193003.